The following is an entry in ClinVar:

ClinVar aggregate classification (germline): Pathogenic (1 of 4 stars; one submission).

Conditions:
Pontocerebellar hypoplasia type 1A (PCH1A). Also called: PONTOCEREBELLAR HYPOPLASIA WITH ANTERIOR HORN CELL DISEASE; PONTOCEREBELLAR HYPOPLASIA WITH INFANTILE SPINAL MUSCULAR ATROPHY. Identifiers: Orphanet 2254, Orphanet 88616, MedGen C1843504, MONDO:0011866, OMIM 607596.

Submission:

Myriad Genetics, Inc.
Classification: Pathogenic for Pontocerebellar hypoplasia type 1A. Last evaluated: 2024-05-14. Review status: criteria provided, single submitter. Criteria: Myriad Autosomal Dominant, Autosomal Recessive and X-Linked Classification Criteria (2023). Collection method: clinical testing. Allele origin: unknown.
Comment: NM_003384.2(VRK1):c.545_546ins5(L183Cfs*5) is expected to be pathogenic in the context of pontocerebellar hypoplasia, VRK1-related. This variant is predicted to lead to an abnormal or absent protein product due to the creation of a premature termination codon in VRK1, a gene where loss-of-function variants are known to be pathogenic. Please note: this variant was assessed in the context of healthy population screening.

NM_003384.3(VRK1):c.545_546insCTGTC (p.Leu183fs)

Gene: VRK1 (VRK serine/threonine kinase 1; plus strand). Cytogenetic location: 14q32.2.
Variant type: Insertion.
Coding change: c.545_546insCTGTC on transcript NM_003384.3 (MANE Select); coding-DNA positions 545 to 546, CTGTC inserted.
Protein change: p.Leu183fs; shifts the reading frame from leucine 183.
Molecular consequence: frameshift variant.
Genome position: GRCh38 VCF-style: chr14-96853135-A-ACTGTC. GRCh37 (hg19) VCF-style: chr14-97319472-A-ACTGTC.
Other names: c.545_546insCTGTC, p.Leu183fs (NM_001411051.1, NM_001411053.1); short protein forms L183fs.
Identifiers: ClinVar variation 5010824 (VCV005010824.1).